The following is an entry in ClinVar:

ClinVar aggregate classification (germline): Benign. Review status: criteria provided, multiple submitters, no conflicts (2 of 4 stars). 2 submissions from 2 submitters: Benign (2). Last evaluated 2025-10-06.

Conditions:
Hemochromatosis type 4 (HFE4). Also called: Ferroportin disease; HEMOCHROMATOSIS DUE TO DEFECT IN FERROPORTIN; HEMOCHROMATOSIS, AUTOSOMAL DOMINANT. Identifiers: Orphanet 139491, Orphanet 647834, Orphanet 648562, MedGen C1853733, MONDO:0011631, OMIM 606069.

Allele frequency attached by ClinVar (database versions not stated): gnomAD exomes 0.00009 and 0.00017; gnomAD 0.00007 and 0.00008; ExAC 0.00012; TOPMed 0.00015.

Submissions (2):

Labcorp Genetics (formerly Invitae), Labcorp
Classification: Benign for Hemochromatosis type 4. Last evaluated: 2025-10-06. Review status: criteria provided, single submitter. Criteria: Invitae Variant Classification Sherloc (09022015). Collection method: clinical testing. Allele origin: germline.

Illumina Laboratory Services, Illumina
Classification: Benign for Hemochromatosis type 4. Last evaluated: 2017-04-27. Review status: criteria provided, single submitter. Criteria: ICSL Variant Classification Criteria 13 December 2019. Collection method: clinical testing. Allele origin: germline.
Comment: This variant was observed as part of a predisposition screen in an ostensibly healthy population. A literature search was performed for the gene, cDNA change, and amino acid change (where applicable). No publications were found based on this search. Allele frequency data from public databases was too high to be consistent with this variant causing disease. Therefore, this variant is classified as benign.

NM_014585.6(SLC40A1):c.192C>T (p.Tyr64=)

Gene: SLC40A1 (solute carrier family 40 member 1; minus strand). Cytogenetic location: 2q32.2.
Variant type: single nucleotide variant.
Coding change: c.192C>T on transcript NM_014585.6 (MANE Select); coding-DNA position 192, C replaced by T.
Protein change: p.Tyr64=; no amino-acid change (tyrosine 64 retained).
Molecular consequence: synonymous variant.
Genome position (GRCh38, 1-based): chr2:189,575,240, G>A on the plus strand (C>T on the coding strand, the complement: SLC40A1 is on the minus strand). VCF-style: chr2-189575240-G-A. GRCh37 (hg19) VCF-style: chr2-190439966-G-A.
Identifiers: ClinVar variation 696708 (VCV000696708.12), dbSNP rs763244873, ClinGen allele CA2024282.